The following is an entry in ClinVar:

ClinVar aggregate classification (germline): Uncertain significance. Review status: criteria provided, multiple submitters, no conflicts (2 of 4 stars). 2 submissions from 2 submitters: Uncertain significance (2). Last evaluated 2025-12-06.

Conditions:
Saldino-Mainzer syndrome (SRTD9). Also called: short-rib thoracic dysplasia 9 with or without polydactyly; CONORENAL SYNDROME; Renal dysplasia, retinal pigmentary dystrophy, cerebellar ataxia and skeletal dysplasia; SHORT-RIB THORACIC DYSPLASIA 9 WITHOUT POLYDACTYLY. Identifiers: Orphanet 140969, MedGen C1849437, MONDO:0009964, OMIM 266920.
Inborn genetic diseases. Identifiers: MedGen C0950123, MeSH D030342.

gnomAD v4.1: 30 of 1,592,298 alleles (0.0019%); highest among the groups gnomAD compares: Non-Finnish European, 0.0022%; no homozygotes.

Submissions (2):

Labcorp Genetics (formerly Invitae), Labcorp
Classification: Uncertain significance for Saldino-Mainzer syndrome. Last evaluated: 2025-12-06. Review status: criteria provided, single submitter. Criteria: Invitae Variant Classification Sherloc (09022015). Collection method: clinical testing. Allele origin: germline.
Comment: This sequence change replaces glutamic acid, which is acidic and polar, with lysine, which is basic and polar, at codon 893 of the IFT140 protein (p.Glu893Lys). The frequency data for this variant in the population databases is considered unreliable, as metrics indicate poor data quality at this position in the gnomAD database. This variant has not been reported in the literature in individuals affected with IFT140-related conditions. ClinVar contains an entry for this variant (Variation ID: 4273837). Invitae Evidence Modeling of protein sequence and biophysical properties (such as structural, functional, and spatial information, amino acid conservation, physicochemical variation, residue mobility, and thermodynamic stability) indicates that this missense variant is not expected to disrupt IFT140 protein function with a negative predictive value of 80%. In summary, the available evidence is currently insufficient to determine the role of this variant in disease. Therefore, it has been classified as a Variant of Uncertain Significance.

Ambry Genetics
Classification: Uncertain significance for Inborn genetic diseases. Last evaluated: 2025-08-12. Review status: criteria provided, single submitter. Criteria: Ambry Variant Classification Scheme 2023. Collection method: clinical testing. Allele origin: germline.

NM_014714.4(IFT140):c.2677G>A (p.Glu893Lys)

Gene: IFT140 (intraflagellar transport 140; minus strand). Cytogenetic location: 16p13.3.
Variant type: single nucleotide variant.
Coding change: c.2677G>A on transcript NM_014714.4 (MANE Select); coding-DNA position 2677, G replaced by A.
Protein change: p.Glu893Lys; replaces glutamic acid 893 with lysine.
Molecular consequence: missense variant.
Genome position (GRCh38, 1-based): chr16:1,525,978, C>T on the plus strand (G>A on the coding strand, the complement: IFT140 is on the minus strand). VCF-style: chr16-1525978-C-T. GRCh37 (hg19) VCF-style: chr16-1575979-C-T.
Other names: short protein forms E893K.
Identifiers: ClinVar variation 4273837 (VCV004273837.2).